The following is an entry in ClinVar:

ClinVar aggregate classification (germline): Conflicting classifications of pathogenicity. Review status: criteria provided, conflicting classifications (1 of 4 stars). 2 submissions from 2 submitters: Uncertain significance (1); Likely benign (1). Last evaluated 2025-05-13.

Conditions:
Tuberous sclerosis 2 (TSC2). Identifiers: Orphanet 805, MedGen C1860707, MONDO:0013199, OMIM 613254.

gnomAD v4.1: 3 of 1,613,098 alleles (0.00019%); highest among the groups gnomAD compares: Non-Finnish European, 0.00025%; no homozygotes.

Submissions (2):

Myriad Genetics, Inc.
Classification: Likely benign for Tuberous sclerosis 2. Last evaluated: 2025-05-13. Review status: criteria provided, single submitter. Criteria: Myriad Autosomal Dominant, Autosomal Recessive and X-Linked Classification Criteria (2023). Collection method: clinical testing. Allele origin: unknown.
Comment: This variant is considered likely benign. This variant is intronic and is not expected to impact mRNA splicing.

Labcorp Genetics (formerly Invitae), Labcorp
Classification: Uncertain significance for Tuberous sclerosis 2. Last evaluated: 2024-02-24. Review status: criteria provided, single submitter. Criteria: Invitae Variant Classification Sherloc (09022015). Collection method: clinical testing. Allele origin: germline.
Comment: This sequence change falls in intron 11 of the TSC2 gene. It does not directly change the encoded amino acid sequence of the TSC2 protein. It affects a nucleotide within the consensus splice site. This variant is present in population databases (no rsID available, gnomAD 0.007%). This variant has not been reported in the literature in individuals affected with TSC2-related conditions. ClinVar contains an entry for this variant (Variation ID: 1525497). Variants that disrupt the consensus splice site are a relatively common cause of aberrant splicing (PMID: 17576681, 9536098). Algorithms developed to predict the effect of sequence changes on RNA splicing suggest that this variant is not likely to affect RNA splicing. In summary, the available evidence is currently insufficient to determine the role of this variant in disease. Therefore, it has been classified as a Variant of Uncertain Significance.

Literature cited by the submitters: PubMed 17576681 (cited by Labcorp Genetics (formerly Invitae), Labcorp); PubMed 9536098 (cited by Labcorp Genetics (formerly Invitae), Labcorp).

NM_000548.5(TSC2):c.1119+6G>T

Gene: TSC2 (TSC complex subunit 2; plus strand). Cytogenetic location: 16p13.3.
Variant type: single nucleotide variant.
Coding change: c.1119+6G>T on transcript NM_000548.5 (MANE Select); 6 bases into the intron after coding-DNA position 1119, G replaced by T.
Molecular consequence: intron variant.
Genome position (GRCh38, 1-based): chr16:2,060,819, G>T. VCF-style: chr16-2060819-G-T. GRCh37 (hg19) VCF-style: chr16-2110820-G-T.
Other names: c.1119+6G>T (NM_001114382.3, NM_021055.3, NM_001370405.1 and 3 more transcripts); c.1008+6G>T (NM_001318827.2); c.519+6G>T (NM_001318831.2); c.972+6G>T (NM_001318829.2); c.1152+6G>T (NM_001318832.2).
Identifiers: ClinVar variation 1525497 (VCV001525497.7), dbSNP rs397515305, ClinGen allele CA276776748.